The following is an entry in ClinVar:

NM_003982.4(SLC7A7):c.998+5G>A

Gene: SLC7A7 (solute carrier family 7 member 7; minus strand). Cytogenetic location: 14q11.2.
Variant type: single nucleotide variant.
Coding change: c.998+5G>A on transcript NM_003982.4 (MANE Select); 5 bases into the intron after coding-DNA position 998, G replaced by A.
Molecular consequence: intron variant.
Genome position (GRCh38, 1-based): chr14:22,775,828, C>T on the plus strand (G>A on the coding strand, the complement: SLC7A7 is on the minus strand). VCF-style: chr14-22775828-C-T. GRCh37 (hg19) VCF-style: chr14-23245037-C-T.
Other names: c.998+5G>A (NM_001126106.4, NM_001126105.3).
Identifiers: ClinVar variation 1359414 (VCV001359414.3), dbSNP rs554612459, ClinGen allele CA7104526.

ClinVar aggregate classification (germline): Uncertain significance (1 of 4 stars; one submission).

Conditions:
Lysinuric protein intolerance (LPI). Identifiers: Orphanet 470, MedGen C0268647, MONDO:0009109, OMIM 222700.

gnomAD v4.1: 5 of 1,611,472 alleles (0.00031%); highest among the groups gnomAD compares: Non-Finnish European, 0.00034%; no homozygotes.

Submission:

Labcorp Genetics (formerly Invitae), Labcorp
Classification: Uncertain significance for Lysinuric protein intolerance. Last evaluated: 2021-06-06. Review status: criteria provided, single submitter. Criteria: Invitae Variant Classification Sherloc (09022015). Collection method: clinical testing. Allele origin: germline.
Comment: This sequence change falls in intron 7 of the SLC7A7 gene. It does not directly change the encoded amino acid sequence of the SLC7A7 protein. It affects a nucleotide within the consensus splice site of the intron. This variant is present in population databases (rs554612459, ExAC 0.002%). This variant has not been reported in the literature in individuals with SLC7A7-related conditions. Nucleotide substitutions within the consensus splice site are a relatively common cause of aberrant splicing (PMID: 17576681, 9536098). Algorithms developed to predict the effect of sequence changes on RNA splicing suggest that this variant may disrupt the consensus splice site, but this prediction has not been confirmed by published transcriptional studies. In summary, the available evidence is currently insufficient to determine the role of this variant in disease. Therefore, it has been classified as a Variant of Uncertain Significance.

Literature cited by the submitters: PubMed 17576681; PubMed 9536098.